The following is an entry in ClinVar:

NM_002250.3(KCNN4):c.1193C>T (p.Thr398Met)

Gene: KCNN4 (potassium calcium-activated channel subfamily N member 4; minus strand). Cytogenetic location: 19q13.31.
Variant type: single nucleotide variant.
Coding change: c.1193C>T on transcript NM_002250.3 (MANE Select); coding-DNA position 1193, C replaced by T.
Protein change: p.Thr398Met; replaces threonine 398 with methionine.
Molecular consequence: missense variant.
Genome position (GRCh38, 1-based): chr19:43,767,634, G>A on the plus strand (C>T on the coding strand, the complement: KCNN4 is on the minus strand). VCF-style: chr19-43767634-G-A. GRCh37 (hg19) VCF-style: chr19-44271786-G-A.
Other names: c.1193C>T (NM_002250.2); short protein forms T398M.
Identifiers: ClinVar variation 2433014 (VCV002433014.6), dbSNP rs201257292, ClinGen allele CA9491744.
Genomic context (GRCh38, chr19:43,767,634, plus strand): 5'-TGCCTCGGCCCCAGGGCAGTGCTAAGCAGCTCAGTCAGGGCATCCAGCTTCCCCGCCAGC[G>A]TGTCAATCTGTTTCTCCAGGGCCCGGTGTGAGCTGCTCAGATTCTGCTGCAGGTCATACA-3'
Protein context (NP_002241.1, residues 388-408): SHRALEKQID[Thr398Met]LAGKLDALTE

ClinVar aggregate classification (germline): Uncertain significance. Review status: criteria provided, multiple submitters, no conflicts (2 of 4 stars). 2 submissions from 2 submitters: Uncertain significance (2). Last evaluated 2026-06-04.

Conditions:
KCNN4-related disorder. Also called: KCNN4-related condition.
Dehydrated hereditary stomatocytosis 2 (DHS2). Also called: XEROCYTOSIS GARDOS; DESICCYTOSIS GARDOS. Identifiers: Orphanet 3202, MedGen C4225242, MONDO:0014737, OMIM 616689.

Allele frequency attached by ClinVar (database versions not stated): gnomAD 0.00003; ExAC 0.00006; TOPMed 0.00006.
gnomAD v4.1: 218 of 1,614,058 alleles (0.014%); highest among the groups gnomAD compares: Non-Finnish European, 0.017%; no homozygotes.

Submissions (2):

PreventionGenetics, part of Exact Sciences
Classification: Uncertain significance for KCNN4-related condition. Last evaluated: 2026-06-04. Review status: criteria provided, single submitter. Criteria: ACMG Guidelines, 2015. Collection method: clinical testing. Allele origin: germline.
Comment: The KCNN4 c.1193C>T variant is predicted to result in the amino acid substitution p.Thr398Met. To our knowledge, this variant has not been reported in the literature. This variant is reported in 0.011% of alleles in individuals of Latino descent in gnomAD and is interpreted as variant of uncertain significance in ClinVar. Although we suspect that this variant may be benign, at this time, the clinical significance of this variant is uncertain due to the absence of conclusive functional and genetic evidence.

Revvity Omics, Revvity
Classification: Uncertain significance for Dehydrated hereditary stomatocytosis 2. Last evaluated: 2021-09-10. Review status: criteria provided, single submitter. Criteria: ACMG Guidelines, 2015. Collection method: clinical testing. Allele origin: germline.